The following is an entry in ClinVar:

ClinVar aggregate classification (germline): Pathogenic (1 of 4 stars; one submission).

Conditions:
Glycogen storage disease, type II (IOPD). Also called: Pompe Disease; CARDIOMEGALIA GLYCOGENICA DIFFUSA; GLYCOGENOSIS, GENERALIZED, CARDIAC FORM; GSD II; POMPE DISEASE, INFANTILE-ONSET; GLYCOGEN STORAGE DISEASE II, INFANTILE-ONSET. Identifiers: Orphanet 365, MedGen C0017921, MONDO:0009290, OMIM 232300.

Submission:

Genomenon, Inc
Classification: Pathogenic for Glycogen storage disease, type II. Last evaluated: 2026-07-01. Review status: criteria provided, single submitter. Criteria: Genomenon Sequence Variant Interpretation Standards - Updated. Collection method: curation. Allele origin: germline. Affected: yes.
Comment: GAA c.2040+2T>C is a canonical splice variant affecting the donor splice site of intron 14. It is predicted to affect mRNA splicing, leading to a deleterious effect on the GAA protein. This variant has been observed in at least one proband with a GAA-related disorder (PMID:33301762). It is absent or not present at a significant frequency in gnomAD. In conclusion, we classify GAA c.2040+2T>C as a pathogenic variant.

Literature cited by the submitters: PubMed 33301762.

NM_000152.5(GAA):c.2040+2T>C

Gene: GAA (alpha glucosidase; plus strand). Cytogenetic location: 17q25.3.
Variant type: single nucleotide variant.
Coding change: c.2040+2T>C on transcript NM_000152.5 (MANE Select); the canonical splice donor site of the intron after coding-DNA position 2040, T replaced by C.
Molecular consequence: splice donor variant.
Genome position (GRCh38, 1-based): chr17:80,113,029, T>C. VCF-style: chr17-80113029-T-C. GRCh37 (hg19) VCF-style: chr17-78086828-T-C.
Other names: c.2040+2T>C (NM_001406741.1, NM_001406742.1, NM_001079803.3 and 1 more transcripts).
Identifiers: ClinVar variation 4876351 (VCV004876351.1).